The following is an entry in ClinVar:

NM_153240.5(NPHP3):c.695G>A (p.Trp232Ter)

Genes: NPHP3-ACAD11 (NPHP3-ACAD11 readthrough (NMD candidate); minus strand), NPHP3 (nephrocystin 3; minus strand). Cytogenetic location: 3q22.1.
Variant type: single nucleotide variant.
Coding change: c.695G>A on transcript NM_153240.5 (MANE Select); coding-DNA position 695, G replaced by A.
Protein change: p.Trp232Ter; replaces tryptophan 232 with a stop codon.
Molecular consequence: nonsense. On other transcripts: non-coding transcript variant (1).
Genome position (GRCh38, 1-based): chr3:132,716,885, C>T on the plus strand (G>A on the coding strand, the complement: NPHP3 is on the minus strand). VCF-style: chr3-132716885-C-T. GRCh37 (hg19) VCF-style: chr3-132435729-C-T.
Other names: short protein forms W232*.
Identifiers: ClinVar variation 3063597 (VCV003063597.1), dbSNP rs1452025549, ClinGen allele CA354586609.

ClinVar aggregate classification (germline): Pathogenic (1 of 4 stars; one submission).

Conditions:
Renal-hepatic-pancreatic dysplasia (RHPD). Identifiers: Orphanet 294415, MedGen C2673883, MONDO:0017417.

Allele frequency attached by ClinVar (database versions not stated): gnomAD exomes below 0.00001.
gnomAD v4.1: 1 of 1,614,076 alleles (0.000062%); highest among the groups gnomAD compares: Non-Finnish European, 0.000085%; no homozygotes.

Submission:

Pediatrics, Sichuan Provincial Hospital For Women And Children
Classification: Pathogenic for Renal-hepatic-pancreatic dysplasia. Last evaluated: 2022-03-02. Review status: criteria provided, single submitter. Criteria: ACMG Guidelines, 2015. Collection method: provider interpretation. Allele origin: paternal. Inheritance: Autosomal recessive inheritance. Affected: yes. Observed: 1 compound heterozygote.
Comment: PVS1+ PM2_Supporting+ PM3